The following is an entry in ClinVar:

NM_007129.5(ZIC2):c.-19G>C

Gene: ZIC2 (Zic family member 2; plus strand). Cytogenetic location: 13q32.3.
Variant type: single nucleotide variant.
Coding change: c.-19G>C on transcript NM_007129.5 (MANE Select); 19 bases upstream of the start codon, G replaced by C.
Molecular consequence: 5 prime UTR variant.
Genome position (GRCh38, 1-based): chr13:99,982,046, G>C. VCF-style: chr13-99982046-G-C. GRCh37 (hg19) VCF-style: chr13-100634300-G-C.
Identifiers: ClinVar variation 451183 (VCV000451183.2), dbSNP rs971869116, ClinGen allele CA255393973.
Genomic context (GRCh38, chr13:99,982,046, plus strand): 5'-ACGCACCGCGCGGATCGGGAGCGGGAGTCGAGGCGGCGCGGAGGCGCAGGGCTCGCAGGG[G>C]CGGGCGGGCGCGCTGGCCATGCTCCTGGACGCGGGTCCGCAGTTCCCGGCCATCGGGGTG-3'

ClinVar aggregate classification (germline): Uncertain significance (1 of 4 stars; one submission).

Allele frequency attached by ClinVar (database versions not stated): gnomAD exomes 0.00002; gnomAD 0.00007 and 0.00009; TOPMed 0.00008.

Submission:

GeneDx
Classification: Uncertain significance. Last evaluated: 2017-08-04. Review status: criteria provided, single submitter. Criteria: GeneDx Variant Classification (06012015). Collection method: clinical testing. Allele origin: germline. Affected: yes.
Comment: The c.-19G>C variant has not been published as a pathogenic variant, nor has it been reported as a benign variant to our knowledge. The variant's position has low coverage in the ExAC dataset, and population data is therefore unavailable (Lek et al., 2016). This substitution occurs at a position that is conserved across species. However several in-silico splice prediction models predict that c.-19G>C has no effect on splicing and thus, in the absence of RNA/functional studies, the actual effect of this sequence change in this individual is unknown. In summary, based on the currently available information, it is unclear whether this variant is pathogenic or a rare benign variant.